The following is an entry in ClinVar:

NM_000487.6(ARSA):c.25C>A (p.Leu9Ile)

Gene: ARSA (arylsulfatase A; minus strand). Cytogenetic location: 22q13.33.
Variant type: single nucleotide variant.
Coding change: c.25C>A on transcript NM_000487.6 (MANE Select); coding-DNA position 25, C replaced by A.
Protein change: p.Leu9Ile; replaces leucine 9 with isoleucine.
Molecular consequence: missense variant. On other transcripts: intron variant (2).
Genome position (GRCh38, 1-based): chr22:50,627,755, G>T on the plus strand (C>A on the coding strand, the complement: ARSA is on the minus strand). VCF-style: chr22-50627755-G-T. GRCh37 (hg19) VCF-style: chr22-51066183-G-T.
Other names: c.25C>A, p.Leu9Ile (NM_001085425.3, NM_001085426.3, NM_001085427.3); c.-35+236C>A (NM_001362782.2); c.-35+191C>A (NM_001085428.3); short protein forms L9I.
Identifiers: ClinVar variation 2199549 (VCV002199549.1), dbSNP rs886057658, ClinGen allele CA412183786.

ClinVar aggregate classification (germline): Uncertain significance (1 of 4 stars; one submission).

Conditions:
Metachromatic leukodystrophy (MLD). Also called: METACHROMATIC LEUKOENCEPHALOPATHY; SULFATIDE LIPIDOSIS; ARSA DEFICIENCY; CEREBROSIDE SULFATASE DEFICIENCY; Arylsulfatase A Deficiency; Cerebral sclerosis diffuse metachromatic form. Identifiers: Orphanet 512, MedGen C0023522, MONDO:0018868, OMIM 250100.

Submission:

Labcorp Genetics (formerly Invitae), Labcorp
Classification: Uncertain significance for Metachromatic leukodystrophy. Last evaluated: 2022-04-11. Review status: criteria provided, single submitter. Criteria: Invitae Variant Classification Sherloc (09022015). Collection method: clinical testing. Allele origin: germline.
Comment: This sequence change replaces leucine, which is neutral and non-polar, with isoleucine, which is neutral and non-polar, at codon 9 of the ARSA protein (p.Leu9Ile). This variant is not present in population databases (gnomAD no frequency). This variant has not been reported in the literature in individuals affected with ARSA-related conditions. Algorithms developed to predict the effect of missense changes on protein structure and function (SIFT, PolyPhen-2, Align-GVGD) all suggest that this variant is likely to be tolerated. In summary, the available evidence is currently insufficient to determine the role of this variant in disease. Therefore, it has been classified as a Variant of Uncertain Significance.